The following is an entry in ClinVar:

ClinVar aggregate classification (germline): Uncertain significance (1 of 4 stars; one submission).

Conditions:
Epileptic encephalopathy. Identifiers: MedGen C0543888, HP:0200134.

Submission:

Labcorp Genetics (formerly Invitae), Labcorp
Classification: Uncertain significance for Epileptic encephalopathy. Last evaluated: 2024-10-22. Review status: criteria provided, single submitter. Criteria: Invitae Variant Classification Sherloc (09022015). Collection method: clinical testing. Allele origin: germline.
Comment: This sequence change replaces valine, which is neutral and non-polar, with alanine, which is neutral and non-polar, at codon 68 of the GABBR2 protein (p.Val68Ala). The frequency data for this variant in the population databases is considered unreliable, as metrics indicate poor data quality at this position in the gnomAD database. This variant has not been reported in the literature in individuals affected with GABBR2-related conditions. An algorithm developed to predict the effect of missense changes on protein structure and function (PolyPhen-2) suggests that this variant is likely to be tolerated. In summary, the available evidence is currently insufficient to determine the role of this variant in disease. Therefore, it has been classified as a Variant of Uncertain Significance.

NM_005458.8(GABBR2):c.203T>C (p.Val68Ala)

Gene: GABBR2 (gamma-aminobutyric acid type B receptor subunit 2; minus strand). Cytogenetic location: 9q22.33.
Variant type: single nucleotide variant.
Coding change: c.203T>C on transcript NM_005458.8 (MANE Select); coding-DNA position 203, T replaced by C.
Protein change: p.Val68Ala; replaces valine 68 with alanine.
Molecular consequence: missense variant.
Genome position (GRCh38, 1-based): chr9:98,708,535, A>G on the plus strand (T>C on the coding strand, the complement: GABBR2 is on the minus strand). VCF-style: chr9-98708535-A-G. GRCh37 (hg19) VCF-style: chr9-101470817-A-G.
Other names: short protein forms V68A.
Identifiers: ClinVar variation 3603460 (VCV003603460.2).